The following is an entry in ClinVar:

ClinVar aggregate classification (germline): Pathogenic/Likely pathogenic. Review status: criteria provided, multiple submitters, no conflicts (2 of 4 stars). 2 submissions from 2 submitters: Pathogenic (1); Likely pathogenic (1). Last evaluated 2023-08-27.

Conditions:
Dilated cardiomyopathy 1G (CMD1G). Identifiers: Orphanet 154, MedGen C1858763, MONDO:0011400, OMIM 604145.
Autosomal recessive limb-girdle muscular dystrophy type 2J (LGMDR10). Also called: MUSCULAR DYSTROPHY, LIMB-GIRDLE, AUTOSOMAL RECESSIVE 10; Limb-girdle muscular dystrophy, type 2J. Identifiers: Orphanet 140922, MedGen C1837342, MONDO:0012127, OMIM 608807.

Submissions (2):

Labcorp Genetics (formerly Invitae), Labcorp
Classification: Likely pathogenic for Dilated cardiomyopathy 1G; Autosomal recessive limb-girdle muscular dystrophy type 2J. Last evaluated: 2023-08-27. Review status: criteria provided, single submitter. Criteria: Invitae Variant Classification Sherloc (09022015). Collection method: clinical testing. Allele origin: germline.
Comment: This variant is not present in population databases (gnomAD no frequency). This sequence change creates a premature translational stop signal (p.Glu27113*) in the TTN gene. While this is not anticipated to result in nonsense mediated decay, it is expected to create a truncated TTN protein. This variant has not been reported in the literature in individuals affected with TTN-related conditions. In summary, the currently available evidence indicates that the variant is pathogenic, but additional data are needed to prove that conclusively. Therefore, this variant has been classified as Likely Pathogenic. This variant is located in the A band of TTN (PMID: 25589632). Truncating variants in this region are significantly overrepresented in patients affected with dilated cardiomyopathy (PMID: 25589632). Truncating variants in this region have also been reported in individuals affected with autosomal recessive centronuclear myopathy (PMID: 23975875). ClinVar contains an entry for this variant (Variation ID: 202413).

GeneDx
Classification: Pathogenic. Last evaluated: 2013-06-05. Review status: criteria provided, single submitter. Criteria: GeneDx Variant Classification (06012015). Collection method: clinical testing. Allele origin: germline. Affected: yes.
Comment: The Glu25472Stop mutation in the TTN gene has not been reported previously as a disease-causing mutation or as a benign polymorphism, to our knowledge. Glu25472Stop is predicted to cause loss of normal protein function either due to production of an abnormal, prematurely truncated protein, or by absence of protein product due to nonsense-mediated mRNA decay. Other truncating TTN variants have been reported in approximately 3% of control alleles (Herman D et al., 2012). However, Glu25472Stop is located in the A-band region of titin, where the majority of truncating mutations associated with DCM have been reported (Herman D et al., 2012). Furthermore, Glu25472Stop was not observed in approximately 6000 individuals of European and African American ancestry in the NHLBI Exome Sequencing Project, indicating it is not a common benign variant in these populations. The variant is found in DCM panel(s).

Literature cited by the submitters: PubMed 25589632 (cited by Labcorp Genetics (formerly Invitae), Labcorp); PubMed 23975875 (cited by Labcorp Genetics (formerly Invitae), Labcorp).

NM_001267550.2(TTN):c.81337G>T (p.Glu27113Ter)

Genes: TTN (titin; minus strand), TTN-AS1 (TTN antisense RNA 1; plus strand). Cytogenetic location: 2q31.2.
Variant type: single nucleotide variant.
Coding change: c.81337G>T on transcript NM_001267550.2 (MANE Select); coding-DNA position 81337, G replaced by T.
Protein change: p.Glu27113Ter; replaces glutamic acid 27113 with a stop codon.
Molecular consequence: nonsense.
Genome position (GRCh38, 1-based): chr2:178,564,795, C>A on the plus strand (G>T on the coding strand, the complement: TTN is on the minus strand). VCF-style: chr2-178564795-C-A. GRCh37 (hg19) VCF-style: chr2-179429522-C-A.
Other names: p.E25472*:GAA>TAA; c.76414G>T, p.Glu25472Ter (NM_001256850.1); c.54142G>T, p.Glu18048Ter (NM_003319.4); c.73633G>T, p.Glu24545Ter (NM_133378.4); c.54517G>T, p.Glu18173Ter (NM_133432.3); c.54718G>T, p.Glu18240Ter (NM_133437.4); short protein forms E25472*, E27113*, E18048*, E18240*, E24545*, E18173*.
Identifiers: ClinVar variation 202413 (VCV000202413.5), dbSNP rs794729292, ClinGen allele CA309336.